The following is an entry in ClinVar:

ClinVar aggregate classification (germline): Uncertain significance (1 of 4 stars; one submission).

Conditions:
Congenital myasthenic syndrome 5. Identifiers: Orphanet 590, MedGen C1864233, MONDO:0011281, OMIM 603034.

Submission:

Labcorp Genetics (formerly Invitae), Labcorp
Classification: Uncertain significance for Congenital myasthenic syndrome 5. Last evaluated: 2017-12-16. Review status: criteria provided, single submitter. Criteria: Invitae Variant Classification Sherloc (09022015). Collection method: clinical testing. Allele origin: germline.
Comment: This variant has not been reported in the literature in individuals with COLQ-related disease. Algorithms developed to predict the effect of missense changes on protein structure and function output the following: SIFT: "Tolerated"; PolyPhen-2: "Benign"; Align-GVGD: "Class C0". The glycine amino acid residue is found in multiple mammalian species, suggesting that this missense change does not adversely affect protein function. These predictions have not been confirmed by published functional studies and their clinical significance is uncertain. Algorithms developed to predict the effect of sequence changes on RNA splicing suggest that this variant may create or strengthen a splice site, but this prediction has not been confirmed by published transcriptional studies. In summary, the available evidence is currently insufficient to determine the role of this variant in disease. Therefore, it has been classified as a Variant of Uncertain Significance. This variant is not present in population databases (ExAC no frequency). This sequence change replaces arginine with glycine at codon 399 of the COLQ protein (p.Arg399Gly). The arginine residue is weakly conserved and there is a moderate physicochemical difference between arginine and glycine.

NM_005677.4(COLQ):c.1195C>G (p.Arg399Gly)

Gene: COLQ (collagen like tail subunit of asymmetric acetylcholinesterase; minus strand). Cytogenetic location: 3p25.1.
Variant type: single nucleotide variant.
Coding change: c.1195C>G on transcript NM_005677.4 (MANE Select); coding-DNA position 1195, C replaced by G.
Protein change: p.Arg399Gly; replaces arginine 399 with glycine.
Molecular consequence: missense variant.
Genome position (GRCh38, 1-based): chr3:15,455,899, G>C on the plus strand (C>G on the coding strand, the complement: COLQ is on the minus strand). VCF-style: chr3-15455899-G-C. GRCh37 (hg19) VCF-style: chr3-15497406-G-C.
Other names: c.1165C>G, p.Arg389Gly (NM_080538.2); c.1093C>G, p.Arg365Gly (NM_080539.4); short protein forms R399G, R365G, R389G.
Identifiers: ClinVar variation 536243 (VCV000536243.8), dbSNP rs779594053, ClinGen allele CA351596118.
Genomic context (GRCh38, chr3:15,455,899, plus strand): 5'-CCTGAGTCCCACCCCCCTGCTGTTCAGGCCTCAGGTCCTCCTGGTCTGGGCCTCACTCAC[G>C]GATGCAGTCGTCACCCACATCGCTGTTACCGTCGTCACACTCCTCCCCAGGCTGCAGGAG-3'
Protein context (NP_005668.2, residues 389-409): GNSDVGDDCI[Arg399Gly]CHRAYCGDGH